The following is an entry in ClinVar:

NM_198253.3(TERT):c.2267G>T (p.Arg756Leu)

Gene: TERT (telomerase reverse transcriptase; minus strand). Cytogenetic location: 5p15.33.
Variant type: single nucleotide variant.
Coding change: c.2267G>T on transcript NM_198253.3 (MANE Select); coding-DNA position 2267, G replaced by T.
Protein change: p.Arg756Leu; replaces arginine 756 with leucine.
Molecular consequence: missense variant. On other transcripts: non-coding transcript variant (2).
Genome position (GRCh38, 1-based): chr5:1,278,660, C>A on the plus strand (G>T on the coding strand, the complement: TERT is on the minus strand). VCF-style: chr5-1278660-C-A. GRCh37 (hg19) VCF-style: chr5-1278775-C-A.
Other names: c.2267G>T, p.Arg756Leu (NM_001193376.3); short protein forms R756L.
Identifiers: ClinVar variation 841494 (VCV000841494.10), dbSNP rs374206276, ClinGen allele CA359078828.

ClinVar aggregate classification (germline): Uncertain significance (1 of 4 stars; one submission).

Conditions:
Dyskeratosis congenita, autosomal dominant 2. Identifiers: MedGen C3151443, MONDO:0013521, OMIM 613989.
Idiopathic Pulmonary Fibrosis. Also called: Idiopathic fibrosing alveolitis, chronic form; idiopathic fibrosing alveolitis. Identifiers: Orphanet 2032, MedGen C1800706, MeSH D054990, MONDO:0800504.

Submission:

Labcorp Genetics (formerly Invitae), Labcorp
Classification: Uncertain significance for Dyskeratosis congenita, autosomal dominant 2; Idiopathic Pulmonary Fibrosis. Last evaluated: 2019-11-23. Review status: criteria provided, single submitter. Criteria: Invitae Variant Classification Sherloc (09022015). Collection method: clinical testing. Allele origin: germline.
Comment: This variant has not been reported in the literature in individuals with TERT-related conditions. Algorithms developed to predict the effect of missense changes on protein structure and function (SIFT, PolyPhen-2, Align-GVGD) all suggest that this variant is likely to be tolerated, but these predictions have not been confirmed by published functional studies and their clinical significance is uncertain. In summary, the available evidence is currently insufficient to determine the role of this variant in disease. Therefore, it has been classified as a Variant of Uncertain Significance. This variant is not present in population databases (ExAC no frequency). This sequence change replaces arginine with leucine at codon 756 of the TERT protein (p.Arg756Leu). The arginine residue is weakly conserved and there is a moderate physicochemical difference between arginine and leucine.